The following is an entry in ClinVar:

NM_001204375.2(NPR3):c.1282A>T (p.Thr428Ser)

Gene: NPR3 (natriuretic peptide receptor 3; plus strand). Cytogenetic location: 5p13.3.
Variant type: single nucleotide variant.
Coding change: c.1282A>T on transcript NM_001204375.2 (MANE Select); coding-DNA position 1282, A replaced by T.
Protein change: p.Thr428Ser; replaces threonine 428 with serine.
Molecular consequence: missense variant.
Genome position (GRCh38, 1-based): chr5:32,780,808, A>T. VCF-style: chr5-32780808-A-T. GRCh37 (hg19) VCF-style: chr5-32780914-A-T.
Other names: c.1282A>T (NM_001204375.1); c.1282A>T, p.Thr428Ser (NM_000908.4); c.634A>T, p.Thr212Ser (NM_001204376.2, NM_001363652.2); c.562A>T, p.Thr188Ser (NM_001364458.2); c.511A>T, p.Thr171Ser (NM_001364460.2); short protein forms T171S, T212S, T188S, T428S.
Identifiers: ClinVar variation 1944418 (VCV001944418.6), dbSNP rs1394756615, ClinGen allele CA359468136.
Genomic context (GRCh38, chr5:32,780,808, plus strand): 5'-GCCAACGGAGACCGATATGGGGATTTCTCTGTGATTGCCATGACTGATGTGGAGGCGGGC[A>T]CCCAGGAGGTGAGCACGTGAGACCTCTGCACCAGTTGCTCCTTCTGCTCGTGGGGACTCT-3'
Protein context (NP_001191304.1, residues 418-438): VIAMTDVEAG[Thr428Ser]QEVIGDYFGK

ClinVar aggregate classification (germline): Uncertain significance. Review status: criteria provided, multiple submitters, no conflicts (2 of 4 stars). 2 submissions from 2 submitters: Uncertain significance (2). Last evaluated 2025-06-19.

Conditions:
Inborn genetic diseases. Identifiers: MedGen C0950123, MeSH D030342.

Allele frequency attached by ClinVar (database versions not stated): gnomAD exomes 0.00001; TOPMed 0.00001; gnomAD 0.00002.
gnomAD v4.1: 17 of 1,536,570 alleles (0.0011%); highest among the groups gnomAD compares: Non-Finnish European, 0.0015%; no homozygotes.

Submissions (2):

Ambry Genetics
Classification: Uncertain significance for Inborn genetic diseases. Last evaluated: 2025-06-19. Review status: criteria provided, single submitter. Criteria: Ambry Variant Classification Scheme 2023. Collection method: clinical testing. Allele origin: germline.

Labcorp Genetics (formerly Invitae), Labcorp
Classification: Uncertain significance. Last evaluated: 2022-11-01. Review status: criteria provided, single submitter. Criteria: Invitae Variant Classification Sherloc (09022015). Collection method: clinical testing. Allele origin: germline.
Comment: In summary, the available evidence is currently insufficient to determine the role of this variant in disease. Therefore, it has been classified as a Variant of Uncertain Significance. Algorithms developed to predict the effect of missense changes on protein structure and function are either unavailable or do not agree on the potential impact of this missense change (SIFT: "Deleterious"; PolyPhen-2: "Benign"; Align-GVGD: "Class C55"). This variant has not been reported in the literature in individuals affected with NPR3-related conditions. This variant is present in population databases (no rsID available, gnomAD 0.002%). This sequence change replaces threonine, which is neutral and polar, with serine, which is neutral and polar, at codon 428 of the NPR3 protein (p.Thr428Ser).